The following is an entry in ClinVar:

NM_001231.5(CASQ1):c.364+9G>T

Gene: CASQ1 (calsequestrin 1; plus strand). Cytogenetic location: 1q23.2.
Variant type: single nucleotide variant.
Coding change: c.364+9G>T on transcript NM_001231.5 (MANE Select); 9 bases into the intron after coding-DNA position 364, G replaced by T.
Molecular consequence: intron variant.
Genome position (GRCh38, 1-based): chr1:160,192,895, G>T. VCF-style: chr1-160192895-G-T. GRCh37 (hg19) VCF-style: chr1-160162685-G-T.
Other names: p.?.
Identifiers: ClinVar variation 716050 (VCV000716050.14), dbSNP rs115023646, ClinGen allele CA1196145.
Genomic context (GRCh38, chr1:160,192,895, plus strand): 5'-GGCTTCGGGCTGGTAGACTCTGAGAAGGATGCAGCTGTGGCCAAGAAACTAGGTAAGAGA[G>T]GGGAGGGCAGGGGAGGGGAAGGTGGCATTGAGACAAGGGGAGGCTTAGGGCGGAGGACCT-3'

ClinVar aggregate classification (germline): Benign/Likely benign. Review status: criteria provided, multiple submitters, no conflicts (2 of 4 stars). 5 submissions from 5 submitters: Benign (3); Likely benign (2). Last evaluated 2026-01-28.

Conditions:
Myopathy due to calsequestrin and SERCA1 protein overload. Also called: Myopathy, vacuolar, with casq1 aggregates. Identifiers: Orphanet 88635, MedGen C4015624, MONDO:0014546, OMIM 616231.
CASQ1-related disorder. Also called: CASQ1-related condition.

Allele frequency attached by ClinVar (database versions not stated): gnomAD exomes 0.00106; ExAC 0.00131; ESP Exome Variant Server 0.00461; gnomAD 0.00464 and 0.00505; 1000 Genomes Project 30x 0.00484; 1000 Genomes Project 0.00499; TOPMed 0.00526.
gnomAD v4.1: 1,330 of 1,604,098 alleles (0.083%); highest among the groups gnomAD compares: African/African-American, 1.6%; 10 homozygotes.

Submissions (5):

Labcorp Genetics (formerly Invitae), Labcorp
Classification: Benign. Last evaluated: 2026-01-28. Review status: criteria provided, single submitter. Criteria: Invitae Variant Classification Sherloc (09022015). Collection method: clinical testing. Allele origin: germline.

PreventionGenetics, part of Exact Sciences
Classification: Benign for CASQ1-related condition. Last evaluated: 2025-01-07. Review status: criteria provided, single submitter. Criteria: ACMG Guidelines, 2015. Collection method: clinical testing. Allele origin: germline.
Comment: This variant is classified as benign based on ACMG/AMP sequence variant interpretation guidelines (Richards et al. 2015 PMID: 25741868, with internal and published modifications).

Blueprint Genetics
Classification: Likely benign. Last evaluated: 2024-10-17. Review status: criteria provided, single submitter. Criteria: ACMG Guidelines, 2015. Collection method: clinical testing. Allele origin: germline.

Mayo Clinic Laboratories, Mayo Clinic
Classification: Benign. Last evaluated: 2024-02-19. Review status: criteria provided, single submitter. Criteria: ACMG Guidelines, 2015. Collection method: clinical testing. Allele origin: germline. Observed: 2 variant alleles.
Comment: BS1, BS2, BP4, BP7

Fulgent Genetics
Classification: Likely benign for Myopathy due to calsequestrin and SERCA1 protein overload. Last evaluated: 2022-05-17. Review status: criteria provided, single submitter. Criteria: ACMG Guidelines, 2015. Collection method: clinical testing. Allele origin: unknown.